The following is an entry in ClinVar:

NM_012210.4(TRIM32):c.137A>G (p.Gln46Arg)

Genes: ASTN2 (astrotactin 2; minus strand), TRIM32 (tripartite motif containing 32; plus strand). Cytogenetic location: 9q33.1.
Variant type: single nucleotide variant.
Coding change: c.137A>G on transcript NM_012210.4 (MANE Select); coding-DNA position 137, A replaced by G.
Protein change: p.Gln46Arg; replaces glutamine 46 with arginine.
Molecular consequence: missense variant. On other transcripts: intron variant (3).
Genome position (GRCh38, 1-based): chr9:116,697,879, A>G. VCF-style: chr9-116697879-A-G. GRCh37 (hg19) VCF-style: chr9-119460158-A-G.
Other names: c.137A>G, p.Gln46Arg (NM_001099679.2, NM_001379048.1, NM_001379049.1 and 1 more transcripts); c.2653+27892T>C (NM_014010.5); c.2794+27892T>C (NM_001365069.1); c.2806+27892T>C (NM_001365068.1); short protein forms Q46R.
Identifiers: ClinVar variation 2156529 (VCV002156529.5), dbSNP rs151330357, ClinGen allele CA5210913.
Genomic context (GRCh38, chr9:116,697,879, plus strand): 5'-CCTTCACAGAAGAGCAGCTGCGTCCCAAGCTTCTGCACTGTGGCCATACCATCTGCCGCC[A>G]GTGCCTGGAGAAGCTATTGGCCAGTAGCATCAATGGTGTCCGCTGTCCCTTTTGCAGCAA-3'
Protein context (NP_036342.2, residues 36-56): LLHCGHTICR[Gln46Arg]CLEKLLASSI

ClinVar aggregate classification (germline): Uncertain significance. Review status: criteria provided, multiple submitters, no conflicts (2 of 4 stars). 3 submissions from 3 submitters: Uncertain significance (3). Last evaluated 2026-06-29.

Conditions:
Bardet-Biedl syndrome (BBS). Identifiers: Orphanet 110, MedGen C0752166, MONDO:0015229.
TRIM32-related disorder. Also called: TRIM32-related condition.

Allele frequency attached by ClinVar (database versions not stated): ExAC 0.00001; gnomAD 0.00002; TOPMed 0.00002; ESP Exome Variant Server 0.00008.
gnomAD v4.1: 3 of 1,614,094 alleles (0.00019%); highest among the groups gnomAD compares: African/African-American, 0.004%; no homozygotes.

Submissions (3):

PreventionGenetics, part of Exact Sciences
Classification: Uncertain significance for TRIM32-related condition. Last evaluated: 2026-06-29. Review status: criteria provided, single submitter. Criteria: ACMG Guidelines, 2015. Collection method: clinical testing. Allele origin: germline.
Comment: The TRIM32 c.137A>G variant is predicted to result in the amino acid substitution p.Gln46Arg. To our knowledge, this variant has not been reported in the literature. This variant is reported in 0.0080% of alleles in individuals of African descent in gnomAD. At this time, the clinical significance of this variant is uncertain due to the absence of conclusive functional and genetic evidence.

Labcorp Genetics (formerly Invitae), Labcorp
Classification: Uncertain significance for Bardet-Biedl syndrome. Last evaluated: 2024-05-20. Review status: criteria provided, single submitter. Criteria: Invitae Variant Classification Sherloc (09022015). Collection method: clinical testing. Allele origin: germline.
Comment: This sequence change replaces glutamine, which is neutral and polar, with arginine, which is basic and polar, at codon 46 of the TRIM32 protein (p.Gln46Arg). This variant is present in population databases (rs151330357, gnomAD 0.008%). This variant has not been reported in the literature in individuals affected with TRIM32-related conditions. ClinVar contains an entry for this variant (Variation ID: 2156529). An algorithm developed to predict the effect of missense changes on protein structure and function (PolyPhen-2) suggests that this variant is likely to be tolerated. In summary, the available evidence is currently insufficient to determine the role of this variant in disease. Therefore, it has been classified as a Variant of Uncertain Significance.

Blueprint Genetics
Classification: Uncertain significance. Last evaluated: 2018-02-13. Review status: criteria provided, single submitter. Criteria: ACMG Guidelines, 2015. Collection method: clinical testing. Allele origin: germline.